The following is an entry in ClinVar:

ClinVar aggregate classification (germline): Uncertain significance. Review status: criteria provided, multiple submitters, no conflicts (2 of 4 stars). 5 submissions from 5 submitters: Uncertain significance (4). 1 of the submissions does not count toward it. Last evaluated 2024-07-30.

Conditions:
Fanconi anemia complementation group U. Identifiers: MedGen C4310651, MONDO:0014987, OMIM 617247.
Hereditary cancer-predisposing syndrome. Also called: Neoplastic Syndromes, Hereditary; Hereditary neoplastic syndrome; Tumor predisposition; Hereditary Cancer Syndrome. Identifiers: Orphanet 140162, MedGen C0027672, MeSH D009386, MONDO:0015356.

Allele frequency attached by ClinVar (database versions not stated): 1000 Genomes Project 0.00020; gnomAD exomes below 0.00001; ExAC 0.00001; gnomAD 0.00001; TOPMed 0.00005; 1000 Genomes Project 30x 0.00016.
gnomAD v4.1: 3 of 1,614,158 alleles (0.00019%); highest among the groups gnomAD compares: Admixed American, 0.0017%; no homozygotes.

Submissions (5):

Labcorp Genetics (formerly Invitae), Labcorp
Classification: Uncertain significance. Last evaluated: 2024-07-30. Review status: criteria provided, single submitter. Criteria: Invitae Variant Classification Sherloc (09022015). Collection method: clinical testing. Allele origin: germline.
Comment: This sequence change replaces arginine, which is basic and polar, with serine, which is neutral and polar, at codon 238 of the XRCC2 protein (p.Arg238Ser). This variant is present in population databases (rs534746330, gnomAD 0.003%). This missense change has been observed in individual(s) with breast cancer (PMID: 23054243). ClinVar contains an entry for this variant (Variation ID: 240163). Advanced modeling of protein sequence and biophysical properties (such as structural, functional, and spatial information, amino acid conservation, physicochemical variation, residue mobility, and thermodynamic stability) performed at Invitae indicates that this missense variant is not expected to disrupt XRCC2 protein function with a negative predictive value of 80%. Experimental studies have shown that this missense change does not substantially affect XRCC2 function (PMID: 27233470). In summary, the available evidence is currently insufficient to determine the role of this variant in disease. Therefore, it has been classified as a Variant of Uncertain Significance.

Ambry Genetics
Classification: Uncertain significance for Hereditary cancer-predisposing syndrome. Last evaluated: 2023-12-31. Review status: criteria provided, single submitter. Criteria: Ambry Variant Classification Scheme 2023. Collection method: clinical testing. Allele origin: germline.
Comment: The p.R238S variant (also known as c.714G>C), located in coding exon 3 of the XRCC2 gene, results from a G to C substitution at nucleotide position 714. The arginine at codon 238 is replaced by serine, an amino acid with dissimilar properties. In one study, this alteration was reported in 1/3548 non-BRCA1/2 familial breast cancer cases and 0/1435 healthy controls (Hilbers FS et al. J Med Genet, 2012 Oct;49:618-20). This amino acid position is highly conserved in available vertebrate species. In addition, the in silico prediction for this alteration is inconclusive. Since supporting evidence is limited at this time, the clinical significance of this alteration remains unclear.

Mendelics
Classification: Uncertain significance for Fanconi anemia complementation group U. Last evaluated: 2019-05-28. Review status: criteria provided, single submitter. Criteria: Mendelics Assertion Criteria 2017. Collection method: clinical testing. Allele origin: unknown.

GeneDx
Classification: Uncertain significance. Last evaluated: 2017-12-11. Review status: criteria provided, single submitter. Criteria: GeneDx Variant Classification (06012015). Collection method: clinical testing. Allele origin: germline. Affected: yes.
Comment: This variant is denoted XRCC2 c.714G>C at the cDNA level, p.Arg238Ser (R238S) at the protein level, and results in the change of an Arginine to a Serine (AGG>AGC). This variant has been reported in at least one individual with breast cancer, and in XRCC2-deficient hamster cells was able to restore RAD51C foci formation to 77% of wild-type (Hilbers 2012, Hilbers 2016). XRCC2 Arg238Ser was not observed at a significant allele frequency in large population cohorts (Lek 2016). Since Arginine and Serine differ in some properties, this is considered a semi-conservative amino acid substitution. XRCC2 Arg238Ser is not located in a known functional domain. In-silico analyses, including protein predictors and evolutionary conservation, support a deleterious effect. Based on currently available evidence, it is unclear whether XRCC2 Arg238Ser is a pathogenic or benign variant. We consider it to be a variant of uncertain significance.

Leiden Open Variation Database
Classification: Uncertain significance. Last evaluated: 2016-04-14. Review status: no assertion criteria provided. Collection method: curation. Allele origin: germline. Affected: yes. Not counted in ClinVar's aggregate classification.
Comment: Curator: Arleen D. Auerbach. Submitter to LOVD: Florentine Hilbers.

Literature cited by the submitters: PubMed 23054243 (cited by 3 submitters); PubMed 27233470 (cited by Labcorp Genetics (formerly Invitae), Labcorp).

NM_005431.2(XRCC2):c.714G>C (p.Arg238Ser)

Gene: XRCC2 (X-ray repair cross complementing 2; minus strand). Cytogenetic location: 7q36.1.
Variant type: single nucleotide variant.
Coding change: c.714G>C on transcript NM_005431.2 (MANE Select); coding-DNA position 714, G replaced by C.
Protein change: p.Arg238Ser; replaces arginine 238 with serine.
Molecular consequence: missense variant.
Genome position (GRCh38, 1-based): chr7:152,648,771, C>G on the plus strand (G>C on the coding strand, the complement: XRCC2 is on the minus strand). VCF-style: chr7-152648771-C-G. GRCh37 (hg19) VCF-style: chr7-152345856-C-G.
Other names: short protein forms R238S.
Identifiers: ClinVar variation 240163 (VCV000240163.14), dbSNP rs534746330, ClinGen allele CA4582307.